The following is an entry in ClinVar:

NM_001042492.3(NF1):c.7040G>T (p.Ser2347Ile)

Gene: NF1 (neurofibromin 1; plus strand). Cytogenetic location: 17q11.2.
Variant type: single nucleotide variant.
Coding change: c.7040G>T on transcript NM_001042492.3 (MANE Select); coding-DNA position 7040, G replaced by T.
Protein change: p.Ser2347Ile; replaces serine 2347 with isoleucine.
Molecular consequence: missense variant.
Genome position (GRCh38, 1-based): chr17:31,340,623, G>T. VCF-style: chr17-31340623-G-T. GRCh37 (hg19) VCF-style: chr17-29667641-G-T.
Other names: c.6977G>T, p.Ser2326Ile (NM_000267.4); short protein forms S2347I, S2326I.
Identifiers: ClinVar variation 4119100 (VCV004119100.1).

ClinVar aggregate classification (germline): Uncertain significance (1 of 4 stars; one submission).

Conditions:
Cardiovascular phenotype. Identifiers: MedGen CN230736.
Hereditary cancer-predisposing syndrome. Also called: Hereditary neoplastic syndrome; Neoplastic Syndromes, Hereditary; Tumor predisposition; Hereditary Cancer Syndrome. Identifiers: Orphanet 140162, MedGen C0027672, MeSH D009386, MONDO:0015356.

Submission:

Ambry Genetics
Classification: Uncertain significance for Cardiovascular phenotype; Hereditary cancer-predisposing syndrome. Last evaluated: 2025-07-12. Review status: criteria provided, single submitter. Criteria: Ambry Variant Classification Scheme 2023. Collection method: clinical testing. Allele origin: germline.
Comment: The p.S2326I variant (also known as c.6977G>T), located in coding exon 46 of the NF1 gene, results from a G to T substitution at nucleotide position 6977. The serine at codon 2326 is replaced by isoleucine, an amino acid with dissimilar properties. This amino acid position is conserved. In addition, the in silico prediction for this alteration is inconclusive. Based on the available evidence, the clinical significance of this variant remains unclear.